The following is an entry in ClinVar:

NM_001366207.1(DLG1):c.2116G>T (p.Val706Leu)

Gene: DLG1 (discs large MAGUK scaffold protein 1; minus strand). Cytogenetic location: 3q29.
Variant type: single nucleotide variant.
Coding change: c.2116G>T on transcript NM_001366207.1 (MANE Select); coding-DNA position 2116, G replaced by T.
Protein change: p.Val706Leu; replaces valine 706 with leucine.
Molecular consequence: missense variant. On other transcripts: non-coding transcript variant (4).
Genome position (GRCh38, 1-based): chr3:197,065,792, C>A on the plus strand (G>T on the coding strand, the complement: DLG1 is on the minus strand). VCF-style: chr3-197065792-C-A. GRCh37 (hg19) VCF-style: chr3-196792663-C-A.
Other names: c.2149G>T, p.Val717Leu (NM_001098424.1, NM_001290983.2, NM_001366218.1); c.2113G>T, p.Val705Leu (NM_001204386.1, NM_001366213.1, NM_001366205.1); c.1837G>T, p.Val613Leu (NM_001204387.2); c.1801G>T, p.Val601Leu (NM_001204388.2); c.2050G>T, p.Val684Leu (NM_001366212.1, NM_001366204.1, NM_001366208.1 and 1 more transcripts); c.2212G>T, p.Val738Leu (NM_001366214.1); c.2116G>T, p.Val706Leu (NM_001366215.1, NM_001363865.1, NM_001366210.1); c.1996G>T, p.Val666Leu (NM_001366216.1, NM_001366219.1); and 7 more; short protein forms V601L, V613L, V634L, V646L, V666L, V678L, V684L, V687L.
Identifiers: ClinVar variation 3904955 (VCV003904955.11).

ClinVar aggregate classification (germline): Likely benign. Review status: criteria provided, multiple submitters, no conflicts (2 of 4 stars). 2 submissions from 2 submitters: Likely benign (2). Last evaluated 2025-12-17.

Conditions:
DLG1-related disorder. Also called: DLG1-related condition.

gnomAD v4.1: 1,918 of 1,595,640 alleles (0.12%); highest among the groups gnomAD compares: Middle Eastern, 0.22%; 4 homozygotes.

Submissions (2):

PreventionGenetics, part of Exact Sciences
Classification: Likely benign for DLG1-related condition. Last evaluated: 2025-12-17. Review status: criteria provided, single submitter. Criteria: ACMG Guidelines, 2015. Collection method: clinical testing. Allele origin: germline.
Comment: This variant is classified as likely benign based on ACMG/AMP sequence variant interpretation guidelines (Richards et al. 2015 PMID: 25741868, with internal and published modifications).

CeGaT Center for Human Genetics Tuebingen
Classification: Likely benign. Last evaluated: 2025-05-01. Review status: criteria provided, single submitter. Criteria: CeGaT Center For Human Genetics Tuebingen Variant Classification Criteria Version 2. Collection method: clinical testing. Allele origin: germline. Affected: yes. Observed: 1 variant allele.
Comment: DLG1: BS2